The following is an entry in ClinVar:

ClinVar aggregate classification (germline): Uncertain significance (1 of 4 stars; one submission).

Conditions:
Autosomal recessive polycystic kidney disease (ARPKD). Also called: AR polycystic kidney disease. Identifiers: Orphanet 731, Orphanet 8378, MedGen C0085548, MeSH D017044, MONDO:0009889.

gnomAD v4.1: 5 of 1,613,784 alleles (0.00031%); highest among the groups gnomAD compares: Middle Eastern, 0.017%; no homozygotes.

Submission:

Labcorp Genetics (formerly Invitae), Labcorp
Classification: Uncertain significance for Autosomal recessive polycystic kidney disease. Last evaluated: 2022-10-17. Review status: criteria provided, single submitter. Criteria: Invitae Variant Classification Sherloc (09022015). Collection method: clinical testing. Allele origin: germline.
Comment: This sequence change replaces arginine, which is basic and polar, with leucine, which is neutral and non-polar, at codon 1804 of the PKHD1 protein (p.Arg1804Leu). This variant is present in population databases (rs151160618, gnomAD 0.0009%). This variant has not been reported in the literature in individuals affected with PKHD1-related conditions. Advanced modeling of protein sequence and biophysical properties (such as structural, functional, and spatial information, amino acid conservation, physicochemical variation, residue mobility, and thermodynamic stability) performed at Invitae indicates that this missense variant is not expected to disrupt PKHD1 protein function. In summary, the available evidence is currently insufficient to determine the role of this variant in disease. Therefore, it has been classified as a Variant of Uncertain Significance.

NM_138694.4(PKHD1):c.5411G>T (p.Arg1804Leu)

Gene: PKHD1 (PKHD1 ciliary IPT domain containing fibrocystin/polyductin; minus strand). Cytogenetic location: 6p12.2.
Variant type: single nucleotide variant.
Coding change: c.5411G>T on transcript NM_138694.4 (MANE Select); coding-DNA position 5411, G replaced by T.
Protein change: p.Arg1804Leu; replaces arginine 1804 with leucine.
Molecular consequence: missense variant.
Genome position (GRCh38, 1-based): chr6:52,017,599, C>A on the plus strand (G>T on the coding strand, the complement: PKHD1 is on the minus strand). VCF-style: chr6-52017599-C-A. GRCh37 (hg19) VCF-style: chr6-51882397-C-A.
Other names: c.5411G>T, p.Arg1804Leu (NM_170724.3); short protein forms R1804L.
Identifiers: ClinVar variation 1915791 (VCV001915791.2), dbSNP rs151160618, ClinGen allele CA3852516.